The following is an entry in ClinVar:

ClinVar aggregate classification (germline): Benign. Review status: criteria provided, multiple submitters, no conflicts (2 of 4 stars). 2 submissions from 2 submitters: Benign (2). Last evaluated 2018-06-19.

Allele frequency attached by ClinVar (database versions not stated): gnomAD exomes 0.04235; gnomAD 0.08261 and 0.08477; TOPMed 0.09345; 1000 Genomes Project 30x 0.16255; 1000 Genomes Project 0.16554.
gnomAD v4.1: 40,369 of 797,364 alleles (5.1%); highest among the groups gnomAD compares: East Asian, 36%; 4,062 homozygotes.

Submissions (2):

GeneDx
Classification: Benign. Last evaluated: 2018-06-19. Review status: criteria provided, single submitter. Criteria: GeneDx Variant Classification (06012015). Collection method: clinical testing. Allele origin: germline. Affected: yes.
Comment: This variant is considered likely benign or benign based on one or more of the following criteria: it is a conservative change, it occurs at a poorly conserved position in the protein, it is predicted to be benign by multiple in silico algorithms, and/or has population frequency not consistent with disease.

Breakthrough Genomics
Classification: Benign. Review status: criteria provided, single submitter. Criteria: ACMG Guidelines, 2015. Collection method: not provided. Allele origin: germline. Inheritance: Autosomal recessive inheritance. Affected: yes.

NM_000089.4(COL1A2):c.1971+123C>A

Gene: COL1A2 (collagen type I alpha 2 chain; plus strand). Cytogenetic location: 7q21.3.
Variant type: single nucleotide variant.
Coding change: c.1971+123C>A on transcript NM_000089.4 (MANE Select); 123 bases into the intron after coding-DNA position 1971, C replaced by A.
Molecular consequence: intron variant.
Genome position (GRCh38, 1-based): chr7:94,417,954, C>A. VCF-style: chr7-94417954-C-A. GRCh37 (hg19) VCF-style: chr7-94047266-C-A.
Identifiers: ClinVar variation 678062 (VCV000678062.2), dbSNP rs3736638, ClinGen allele CA162930586.
Genomic context (GRCh38, chr7:94,417,954, plus strand): 5'-GCCCAAGTTTTCACAATTCTTGGCAGGTGGTCTGGTAGCATTTTCATATCTATCTATATA[C>A]ATTTCCCTCTGCCACCTAGCACCTACACATTTCTAAACTCACTAATCTGGCAAAATTCCT-3'